The following is an entry in ClinVar:

ClinVar aggregate classification (germline): Uncertain significance (1 of 4 stars; one submission).

Conditions:
Spinocerebellar ataxia type 19/22 (SCA19). Also called: SPINOCEREBELLAR ATAXIA 19; SPINOCEREBELLAR ATAXIA 22. Identifiers: Orphanet 98772, MedGen C1846367, MONDO:0011819, OMIM 607346.

gnomAD v4.1: 3 of 1,612,814 alleles (0.00019%); highest among the groups gnomAD compares: Non-Finnish European, 0.00025%; no homozygotes.

Submission:

Labcorp Genetics (formerly Invitae), Labcorp
Classification: Uncertain significance for Spinocerebellar ataxia type 19/22. Last evaluated: 2024-11-23. Review status: criteria provided, single submitter. Criteria: Invitae Variant Classification Sherloc (09022015). Collection method: clinical testing. Allele origin: germline.
Comment: This sequence change replaces arginine, which is basic and polar, with glutamine, which is neutral and polar, at codon 49 of the KCND3 protein (p.Arg49Gln). This variant is present in population databases (rs760055752, gnomAD 0.0009%). This variant has not been reported in the literature in individuals affected with KCND3-related conditions. Invitae Evidence Modeling of protein sequence and biophysical properties (such as structural, functional, and spatial information, amino acid conservation, physicochemical variation, residue mobility, and thermodynamic stability) indicates that this missense variant is not expected to disrupt KCND3 protein function with a negative predictive value of 95%. In summary, the available evidence is currently insufficient to determine the role of this variant in disease. Therefore, it has been classified as a Variant of Uncertain Significance.

NM_001378969.1(KCND3):c.146G>A (p.Arg49Gln)

Gene: KCND3 (potassium voltage-gated channel subfamily D member 3; minus strand). Cytogenetic location: 1p13.2.
Variant type: single nucleotide variant.
Coding change: c.146G>A on transcript NM_001378969.1 (MANE Select); coding-DNA position 146, G replaced by A.
Protein change: p.Arg49Gln; replaces arginine 49 with glutamine.
Molecular consequence: missense variant.
Genome position (GRCh38, 1-based): chr1:111,982,581, C>T on the plus strand (G>A on the coding strand, the complement: KCND3 is on the minus strand). VCF-style: chr1-111982581-C-T. GRCh37 (hg19) VCF-style: chr1-112525203-C-T.
Other names: c.146G>A, p.Arg49Gln (NM_001378970.1, NM_004980.5, NM_172198.3); short protein forms R49Q.
Identifiers: ClinVar variation 3715936 (VCV003715936.2).
Genomic context (GRCh38, chr1:111,982,581, plus strand): 5'-GTGCTGCCCAGCAGGGTGTCCGGGTAGCGCTCCAGCGTGGTCCTCCAGGTCTGGAACCTC[C>T]GCCCACTCACGTTGAGGACAATCAGCTCATCCTGCCGCTTGTTCTTGTCGGCCGGGGCCA-3'
Protein context (NP_001365898.1, residues 39-59): DELIVLNVSG[Arg49Gln]RFQTWRTTLE